The following is an entry in ClinVar:

ClinVar aggregate classification (germline): Uncertain significance. Review status: criteria provided, multiple submitters, no conflicts (2 of 4 stars). 3 submissions from 3 submitters: Uncertain significance (3). Last evaluated 2022-12-29.

Conditions:
Inborn genetic diseases. Identifiers: MedGen C0950123, MeSH D030342.

Allele frequency attached by ClinVar (database versions not stated): gnomAD exomes below 0.00001 and 0.00001; ExAC 0.00001; gnomAD 0.00001; TOPMed 0.00003.
gnomAD v4.1: 13 of 1,607,522 alleles (0.00081%); highest among the groups gnomAD compares: South Asian, 0.0045%; no homozygotes.

Submissions (3):

Women's Health and Genetics/Laboratory Corporation of America, LabCorp
Classification: Uncertain significance. Last evaluated: 2022-12-29. Review status: criteria provided, single submitter. Criteria: LabCorp Variant Classification Summary - May 2015. Collection method: clinical testing. Allele origin: germline.

Ambry Genetics
Classification: Uncertain significance for Inborn genetic diseases. Last evaluated: 2021-06-23. Review status: criteria provided, single submitter. Criteria: Ambry Variant Classification Scheme 2023. Collection method: clinical testing. Allele origin: germline.

GeneDx
Classification: Uncertain significance. Last evaluated: 2020-01-03. Review status: criteria provided, single submitter. Criteria: GeneDx Variant Classification Process June 2021. Collection method: clinical testing. Allele origin: germline. Affected: yes.
Comment: Not observed at a significant frequency in large population cohorts (Lek et al., 2016); In silico analysis, which includes protein predictors and evolutionary conservation, supports a deleterious effect; Has not been previously published as pathogenic or benign to our knowledge

NM_001164508.2(NEB):c.24556C>T (p.Arg8186Cys)

Genes: NEB (nebulin; minus strand), RIF1 (replication timing regulatory factor 1; plus strand). Cytogenetic location: 2q23.3.
Variant type: single nucleotide variant.
Coding change: c.24556C>T on transcript NM_001164508.2 (MANE Select); coding-DNA position 24556, C replaced by T.
Protein change: p.Arg8186Cys; replaces arginine 8186 with cysteine.
Molecular consequence: missense variant.
Genome position (GRCh38, 1-based): chr2:151,494,184, G>A on the plus strand (C>T on the coding strand, the complement: NEB is on the minus strand). VCF-style: chr2-151494184-G-A. GRCh37 (hg19) VCF-style: chr2-152350698-G-A.
Other names: c.24556C>T, p.Arg8186Cys (NM_001164507.2); c.24661C>T, p.Arg8221Cys (NM_001271208.2); c.18988C>T, p.Arg6330Cys (NM_004543.5); c.18988C>T (NM_004543.4); short protein forms R6330C, R8186C, R8221C.
Identifiers: ClinVar variation 1310496 (VCV001310496.5), dbSNP rs765313781, ClinGen allele CA1906002.
Genomic context (GRCh38, chr2:151,494,184, plus strand): 5'-GCAAAATTAAAAGCACTTTTGTTTCTCAAGACAATACCGAGCTAATGTTTTCTTGATTGC[G>A]TTTGACTCTCTGCATCTCAGGAGTGACAGGGGTTGCGGTGGCTTTCCCCACATTTTCTTT-3'
Protein context (NP_001157980.2, residues 8176-8196): PVTPEMQRVK[Arg8186Cys]NQENISSVLY